The following is an entry in ClinVar:

ClinVar aggregate classification (germline): Uncertain significance. Review status: criteria provided, multiple submitters, no conflicts (2 of 4 stars). 2 submissions from 2 submitters: Uncertain significance (2). Last evaluated 2025-09-19.

Conditions:
Arrhythmogenic right ventricular dysplasia 10. Also called: Arrhythmogenic Right Ventricular Dysplasia/Cardiomyopathy10; ARRHYTHMOGENIC RIGHT VENTRICULAR DYSPLASIA, FAMILIAL, 10; Arrhythmogenic right ventricular dysplasia/cardiomyopathy, type 10. Identifiers: MedGen C1857777, MONDO:0012434, OMIM 610193.
Cardiovascular phenotype. Identifiers: MedGen CN230736.

gnomAD v4.1: 1 of 1,614,046 alleles (0.000062%); highest among the groups gnomAD compares: Admixed American, 0.0017%; no homozygotes.

Submissions (2):

Labcorp Genetics (formerly Invitae), Labcorp
Classification: Uncertain significance for Arrhythmogenic right ventricular dysplasia 10. Last evaluated: 2025-09-19. Review status: criteria provided, single submitter. Criteria: Invitae Variant Classification Sherloc (09022015). Collection method: clinical testing. Allele origin: germline.
Comment: This sequence change replaces glycine, which is neutral and non-polar, with arginine, which is basic and polar, at codon 997 of the DSG2 protein (p.Gly997Arg). This variant is present in population databases (no rsID available, gnomAD 0.003%). This variant has not been reported in the literature in individuals affected with DSG2-related conditions. ClinVar contains an entry for this variant (Variation ID: 3273862). Invitae Evidence Modeling of protein sequence and biophysical properties (such as structural, functional, and spatial information, amino acid conservation, physicochemical variation, residue mobility, and thermodynamic stability) has been performed for this missense variant. However, the output from this modeling did not meet the statistical confidence thresholds required to predict the impact of this variant on DSG2 protein function. In summary, the available evidence is currently insufficient to determine the role of this variant in disease. Therefore, it has been classified as a Variant of Uncertain Significance.

Ambry Genetics
Classification: Uncertain significance for Cardiovascular phenotype. Last evaluated: 2024-05-24. Review status: criteria provided, single submitter. Criteria: Ambry Variant Classification Scheme 2023. Collection method: clinical testing. Allele origin: germline.

NM_001943.5(DSG2):c.2989G>C (p.Gly997Arg)

Genes: DSG2 (desmoglein 2; plus strand), DSG2-AS1 (DSG2 antisense RNA 1; minus strand). Cytogenetic location: 18q12.1.
Variant type: single nucleotide variant.
Coding change: c.2989G>C on transcript NM_001943.5 (MANE Select); coding-DNA position 2989, G replaced by C.
Protein change: p.Gly997Arg; replaces glycine 997 with arginine.
Molecular consequence: missense variant.
Genome position (GRCh38, 1-based): chr18:31,546,375, G>C. VCF-style: chr18-31546375-G-C. GRCh37 (hg19) VCF-style: chr18-29126338-G-C.
Other names: short protein forms G997R.
Identifiers: ClinVar variation 3273862 (VCV003273862.2).